The following is an entry in ClinVar:

NM_001271.4(CHD2):c.5100T>G (p.Tyr1700Ter)

Gene: CHD2 (chromodomain helicase DNA binding protein 2; plus strand). Cytogenetic location: 15q26.1.
Variant type: single nucleotide variant.
Coding change: c.5100T>G on transcript NM_001271.4 (MANE Select); coding-DNA position 5100, T replaced by G.
Protein change: p.Tyr1700Ter; replaces tyrosine 1700 with a stop codon.
Molecular consequence: nonsense.
Genome position (GRCh38, 1-based): chr15:93,020,205, T>G. VCF-style: chr15-93020205-T-G. GRCh37 (hg19) VCF-style: chr15-93563435-T-G.
Other names: short protein forms Y1700*.
Identifiers: ClinVar variation 1455216 (VCV001455216.7), dbSNP rs751251777, ClinGen allele CA393907893.

ClinVar aggregate classification (germline): Pathogenic. Review status: criteria provided, multiple submitters, no conflicts (2 of 4 stars). 2 submissions from 2 submitters: Pathogenic (2). Last evaluated 2022-07-14.

Conditions:
CHD2-related disorder. Also called: CHD2-related condition.
Developmental and epileptic encephalopathy 94 (DEE94). Also called: CHD2-Related Neurodevelopmental Disorders; Epileptic encephalopathy, childhood-onset. Identifiers: Orphanet 1942, Orphanet 2382, MedGen C3809278, MONDO:0014150, OMIM 615369.

Submissions (2):

Blueprint Genetics
Classification: Pathogenic for CHD2-related disorders. Last evaluated: 2022-07-14. Review status: criteria provided, single submitter. Criteria: ACMG Guidelines, 2015. Collection method: clinical testing. Allele origin: de novo. Affected: yes. Observed: 1 variant allele.

Labcorp Genetics (formerly Invitae), Labcorp
Classification: Pathogenic for Developmental and epileptic encephalopathy 94. Last evaluated: 2021-02-02. Review status: criteria provided, single submitter. Criteria: Invitae Variant Classification Sherloc (09022015). Collection method: clinical testing. Allele origin: germline.
Comment: This variant has not been reported in the literature in individuals with CHD2-related conditions. This variant is not present in population databases (ExAC no frequency). This sequence change creates a premature translational stop signal (p.Tyr1700*) in the CHD2 gene. It is expected to result in an absent or disrupted protein product. Loss-of-function variants in CHD2 are known to be pathogenic (PMID: 23708187, 24207121). For these reasons, this variant has been classified as Pathogenic.

Literature cited by the submitters: PubMed 23708187 (cited by Labcorp Genetics (formerly Invitae), Labcorp); PubMed 24207121 (cited by Labcorp Genetics (formerly Invitae), Labcorp).